The following is an entry in ClinVar:

NM_015100.4(POGZ):c.4219C>A (p.Leu1407Met)

Gene: POGZ (pogo transposable element derived with ZNF domain; minus strand). Cytogenetic location: 1q21.3.
Variant type: single nucleotide variant.
Coding change: c.4219C>A on transcript NM_015100.4 (MANE Select); coding-DNA position 4219, C replaced by A.
Protein change: p.Leu1407Met; replaces leucine 1407 with methionine.
Molecular consequence: missense variant.
Genome position (GRCh38, 1-based): chr1:151,404,816, G>T on the plus strand (C>A on the coding strand, the complement: POGZ is on the minus strand). VCF-style: chr1-151404816-G-T. GRCh37 (hg19) VCF-style: chr1-151377292-G-T.
Other names: c.4192C>A, p.Leu1398Met (NM_001194937.2); c.4033C>A, p.Leu1345Met (NM_001194938.2); c.4240C>A, p.Leu1414Met (NM_001410860.1); c.3934C>A, p.Leu1312Met (NM_145796.4); c.4060C>A, p.Leu1354Met (NM_207171.2); short protein forms L1312M, L1345M, L1354M, L1398M, L1407M, L1414M.
Identifiers: ClinVar variation 2581038 (VCV002581038.1), dbSNP rs2529189605, ClinGen allele CA341932848.
Genomic context (GRCh38, chr1:151,404,816, plus strand): 5'-TCACATGTTCCCACCCTCACTCCACACCCCCTCATGACCCCAACACTCAAATCTCCATCA[G>T]ATCTAGGTCAGCTTCTTCAAAGCCATAGAAAGACTCGGTCTCACTTTCACCCTCAAAGAG-3'
Protein context (NP_055915.2, residues 1397-1410): FYGFEEADLD[Leu1407Met]MEI

ClinVar aggregate classification (germline): Likely benign (1 of 4 stars; one submission).

Conditions:
Intellectual disability-microcephaly-strabismus-behavioral abnormalities syndrome. Also called: White-Sutton Syndrome. Identifiers: Orphanet 468678, MedGen C4225351, MONDO:0014606, OMIM 616364.

Submission:

Dr. med. U. Finckh, Human Genetics, Eurofins MVZ
Classification: Likely benign for Intellectual disability-microcephaly-strabismus-behavioral abnormalities syndrome. Last evaluated: 2023-08-17. Review status: criteria provided, single submitter. Criteria: ACMG Guidelines, 2015. Collection method: clinical testing. Allele origin: paternal. Affected: no. Observed: 2 heterozygotes.
Comment: PM2_SUP, BS2, BP4_MOD (based on REVEL score interpretation of PMID 36413997)